The following is an entry in ClinVar:

ClinVar aggregate classification (germline): Uncertain significance. Review status: criteria provided, multiple submitters, no conflicts (2 of 4 stars). 2 submissions from 2 submitters: Uncertain significance (2). Last evaluated 2022-08-16.

Allele frequency attached by ClinVar (database versions not stated): gnomAD 0.00001 and 0.00002; gnomAD exomes 0.00002 and 0.00004; TOPMed 0.00002; ExAC 0.00005.
gnomAD v4.1: 26 of 1,612,888 alleles (0.0016%); highest among the groups gnomAD compares: South Asian, 0.011%; no homozygotes.

Submissions (2):

Labcorp Genetics (formerly Invitae), Labcorp
Classification: Uncertain significance. Last evaluated: 2022-08-16. Review status: criteria provided, single submitter. Criteria: Invitae Variant Classification Sherloc (09022015). Collection method: clinical testing. Allele origin: germline.
Comment: This sequence change replaces threonine, which is neutral and polar, with methionine, which is neutral and non-polar, at codon 184 of the CYP2R1 protein (p.Thr184Met). This variant is present in population databases (rs781970760, gnomAD 0.02%). This variant has not been reported in the literature in individuals affected with CYP2R1-related conditions. ClinVar contains an entry for this variant (Variation ID: 1304683). Algorithms developed to predict the effect of missense changes on protein structure and function (SIFT, PolyPhen-2, Align-GVGD) all suggest that this variant is likely to be disruptive. In summary, the available evidence is currently insufficient to determine the role of this variant in disease. Therefore, it has been classified as a Variant of Uncertain Significance.

GeneDx
Classification: Uncertain significance. Last evaluated: 2019-05-09. Review status: criteria provided, single submitter. Criteria: GeneDx Variant Classification Process June 2021. Collection method: clinical testing. Allele origin: germline. Affected: yes.
Comment: In silico analysis, which includes protein predictors and evolutionary conservation, supports a deleterious effect; Has not been previously published as pathogenic or benign to our knowledge

NM_024514.5(CYP2R1):c.551C>T (p.Thr184Met)

Genes: CYP2R1 (cytochrome P450 family 2 subfamily R member 1; minus strand), PDE3B (phosphodiesterase 3B; plus strand). Cytogenetic location: 11p15.2.
Variant type: single nucleotide variant.
Coding change: c.551C>T on transcript NM_024514.5 (MANE Select); coding-DNA position 551, C replaced by T.
Protein change: p.Thr184Met; replaces threonine 184 with methionine.
Molecular consequence: missense variant.
Genome position (GRCh38, 1-based): chr11:14,880,585, G>A on the plus strand (C>T on the coding strand, the complement: CYP2R1 is on the minus strand). VCF-style: chr11-14880585-G-A. GRCh37 (hg19) VCF-style: chr11-14902131-G-A.
Other names: c.206C>T, p.Thr69Met (NM_001377214.1, NM_001377215.1, NM_001377216.1 and 1 more transcripts); c.389C>T, p.Thr130Met (NM_001377217.1); short protein forms T130M, T184M, T69M.
Identifiers: ClinVar variation 1304683 (VCV001304683.5), dbSNP rs781970760, ClinGen allele CA5896662.